The following is an entry in ClinVar:

ClinVar aggregate classification (germline): Uncertain significance (1 of 4 stars; one submission).

Submission:

Labcorp Genetics (formerly Invitae), Labcorp
Classification: Uncertain significance. Last evaluated: 2023-08-28. Review status: criteria provided, single submitter. Criteria: Invitae Variant Classification Sherloc (09022015). Collection method: clinical testing. Allele origin: germline.
Comment: In summary, the available evidence is currently insufficient to determine the role of this variant in disease. Therefore, it has been classified as a Variant of Uncertain Significance. Experimental studies and prediction algorithms are not available or were not evaluated, and the functional significance of this variant is currently unknown. This variant has not been reported in the literature in individuals affected with CTNNA1-related conditions. This variant is a gross deletion of the genomic region encompassing exon(s) 18 of the CTNNA1 gene, which includes the termination codon. This deletion extends beyond the assayed region for this gene and therefore may encompass additional genes. While this deletion is not anticipated to lead to nonsense mediated decay, it is expected to alter mRNA translation or result in a truncated protein product.

NC_000005.9:g.(?_138269481)_(138269778_?)del

Gene: CTNNA1 (catenin alpha 1; plus strand). Cytogenetic location: 5q31.2.
Variant type: Deletion.
Identifiers: ClinVar variation 2424300 (VCV002424300.4).